The following is an entry in ClinVar:

NM_000383.4(AIRE):c.481_486del (p.Lys161_Pro162del)

Gene: AIRE (autoimmune regulator; plus strand). Cytogenetic location: 21q22.3.
Variant type: Deletion.
Coding change: c.481_486del on transcript NM_000383.4 (MANE Select); coding-DNA positions 481 to 486, 6 bases deleted (AAGCCC; older notation c.481_486delAAGCCC).
Protein change: p.Lys161_Pro162del.
Molecular consequence: inframe deletion.
Genome position (GRCh38, 1-based): chr21:44,287,534-44,287,539, AAGCCC deleted; deleting any 6 consecutive bases within chr21:44,287,532-44,287,539 gives the same sequence; the c. name uses the placement nearest the transcript's 3' end. VCF-style (leftmost placement, unchanged base first): chr21-44287531-GCCAAGC-G. GRCh37 (hg19) VCF-style: chr21-45707414-GCCAAGC-G.
Identifiers: ClinVar variation 1931660 (VCV001931660.3), dbSNP rs781470144, ClinGen allele CA10051582.
Genomic context (GRCh38, chr21:44,287,531, plus strand): 5'-CCCCACTGAGAGGGGAGGCCAGGCTGCCCCCAGCTCCCCCATTCAGGCTCTCAACTGAAG[GCCAAGC>G]CCCCCAAGAAGCCGGAGAGCAGCGCAGAGCAGCAGCGCCTTCCACTCGGGAACGGTGAGC-3'

ClinVar aggregate classification (germline): Uncertain significance (1 of 4 stars; one submission).

Conditions:
Polyglandular autoimmune syndrome, type 1 (APS1). Also called: APS I; AUTOIMMUNE POLYENDOCRINE SYNDROME, TYPE I, WITH OR WITHOUT REVERSIBLE METAPHYSEAL DYSPLASIA; Whitaker syndrome; Autoimmune polyendocrine syndrome type 1; HYPOADRENOCORTICISM WITH HYPOPARATHYROIDISM AND SUPERFICIAL MONILIASIS; Autoimmune polyendocrinopathy syndrome, type I. Identifiers: Orphanet 3453, MedGen C0085859, MONDO:0009411, OMIM 240300.

Submission:

Labcorp Genetics (formerly Invitae), Labcorp
Classification: Uncertain significance for Polyglandular autoimmune syndrome, type 1. Last evaluated: 2024-04-27. Review status: criteria provided, single submitter. Criteria: Invitae Variant Classification Sherloc (09022015). Collection method: clinical testing. Allele origin: germline.
Comment: This variant, c.481_486del, results in the deletion of 2 amino acid(s) of the AIRE protein (p.Lys161_Pro162del), but otherwise preserves the integrity of the reading frame. This variant is present in population databases (rs781470144, gnomAD 0.03%). This variant has not been reported in the literature in individuals affected with AIRE-related conditions. ClinVar contains an entry for this variant (Variation ID: 1931660). Experimental studies and prediction algorithms are not available or were not evaluated, and the functional significance of this variant is currently unknown. In summary, the available evidence is currently insufficient to determine the role of this variant in disease. Therefore, it has been classified as a Variant of Uncertain Significance.